The following is an entry in ClinVar:

NM_000124.4(ERCC6):c.2082G>A (p.Pro694=)

Gene: ERCC6 (ERCC excision repair 6, chromatin remodeling factor; minus strand). Cytogenetic location: 10q11.23.
Variant type: single nucleotide variant.
Coding change: c.2082G>A on transcript NM_000124.4 (MANE Select); coding-DNA position 2082, G replaced by A.
Protein change: p.Pro694=; no amino-acid change (proline 694 retained).
Molecular consequence: synonymous variant.
Genome position (GRCh38, 1-based): chr10:49,482,774, C>T on the plus strand (G>A on the coding strand, the complement: ERCC6 is on the minus strand). VCF-style: chr10-49482774-C-T. GRCh37 (hg19) VCF-style: chr10-50690820-C-T.
Other names: c.2082G>A, p.Pro694= (NM_001346440.2).
Identifiers: ClinVar variation 702578 (VCV000702578.18), dbSNP rs35182583, ClinGen allele CA5495771.

ClinVar aggregate classification (germline): Benign/Likely benign. Review status: criteria provided, multiple submitters, no conflicts (2 of 4 stars). 4 submissions from 4 submitters: Benign (1); Likely benign (2). 1 of the submissions does not count toward it. Last evaluated 2026-02-02.

Conditions:
ERCC6-related disorder. Also called: ERCC6-related condition; ERCC6-related disorders. Identifiers: MedGen CN239385.

Allele frequency attached by ClinVar (database versions not stated): gnomAD exomes 0.00077 and 0.00210; ExAC 0.00260; 1000 Genomes Project 30x 0.00796; 1000 Genomes Project 0.00819; gnomAD 0.00918; TOPMed 0.00968; ESP Exome Variant Server 0.00984.
gnomAD v4.1: 2,450 of 1,613,466 alleles (0.15%); highest among the groups gnomAD compares: African/African-American, 2.8%; 32 homozygotes.

Submissions (9):

Labcorp Genetics (formerly Invitae), Labcorp
Classification: Benign. Last evaluated: 2026-02-02. Review status: criteria provided, single submitter. Criteria: Invitae Variant Classification Sherloc (09022015). Collection method: clinical testing. Allele origin: germline.

GeneDx
Classification: Likely benign. Last evaluated: 2022-03-02. Review status: criteria provided, single submitter. Criteria: GeneDx Variant Classification Process June 2021. Collection method: clinical testing. Allele origin: germline. Affected: yes.

Breakthrough Genomics
Classification: Likely benign. Review status: criteria provided, single submitter. Criteria: ACMG Guidelines, 2015. Collection method: not provided. Allele origin: germline. Inheritance: Autosomal recessive inheritance. Affected: yes.

PreventionGenetics, part of Exact Sciences
Classification: Likely benign for ERCC6-related condition. Last evaluated: 2019-06-10. Review status: no assertion criteria provided. Collection method: clinical testing. Allele origin: germline. Not counted in ClinVar's aggregate classification.
Comment: This variant is classified as likely benign based on ACMG/AMP sequence variant interpretation guidelines (Richards et al. 2015 PMID: 25741868, with internal and published modifications).

Dr. Peter K. Rogan Lab, Western University
No classification provided (evidence only). Condition: Acute myeloid leukemia. Review status: no classification provided. Collection method: in vitro. Allele origin: not applicable. Functional consequence: retained intron. Not counted in ClinVar's aggregate classification.

Dr. Peter K. Rogan Lab, Western University
No classification provided (evidence only). Condition: Uterine corpus endometrial carcinoma. Review status: no classification provided. Collection method: in vitro. Allele origin: not applicable. Functional consequence: retained intron. Not counted in ClinVar's aggregate classification.

Dr. Peter K. Rogan Lab, Western University
No classification provided (evidence only). Condition: Uterine corpus endometrial carcinoma. Review status: no classification provided. Collection method: in vitro. Allele origin: not applicable. Functional consequence: retained intron. Not counted in ClinVar's aggregate classification.

Dr. Peter K. Rogan Lab, Western University
No classification provided (evidence only). Condition: Cervical cancer. Review status: no classification provided. Collection method: in vitro. Allele origin: not applicable. Functional consequence: retained intron. Not counted in ClinVar's aggregate classification.

Dr. Peter K. Rogan Lab, Western University
No classification provided (evidence only). Condition: Uterine carcinosarcoma. Review status: no classification provided. Collection method: in vitro. Allele origin: not applicable. Functional consequence: retained intron. Not counted in ClinVar's aggregate classification.